The following is an entry in ClinVar:

NM_003718.5(CDK13):c.756_803del (p.Gly255_Ser270del)

Gene: CDK13 (cyclin dependent kinase 13; plus strand). Cytogenetic location: 7p14.1.
Variant type: Deletion.
Coding change: c.756_803del on transcript NM_003718.5 (MANE Select); coding-DNA positions 756 to 803, 48 bases deleted.
Protein change: p.Gly255_Ser270del.
Molecular consequence: inframe indel (on NM_031267.4).
Genome position (GRCh38, 1-based): chr7:39,951,397-39,951,444, 48 bases deleted; deleting any 48 consecutive bases within chr7:39,951,388-39,951,444 gives the same sequence; the c. name uses the placement nearest the transcript's 3' end. GRCh37 (hg19): chr7:39,990,996-39,991,043.
Other names: c.756_803del48, p.Gly255_Ser270del (NM_031267.4).
Identifiers: ClinVar variation 3681389 (VCV003681389.2).

ClinVar aggregate classification (germline): Uncertain significance (1 of 4 stars; one submission).

Submission:

Labcorp Genetics (formerly Invitae), Labcorp
Classification: Uncertain significance. Last evaluated: 2024-02-24. Review status: criteria provided, single submitter. Criteria: Invitae Variant Classification Sherloc (09022015). Collection method: clinical testing. Allele origin: germline.
Comment: This variant, c.756_803del, results in the deletion of 16 amino acid(s) of the CDK13 protein (p.Gly255_Ser270del), but otherwise preserves the integrity of the reading frame. This variant is not present in population databases (gnomAD no frequency). This variant has not been reported in the literature in individuals affected with CDK13-related conditions. Experimental studies and prediction algorithms are not available or were not evaluated, and the functional significance of this variant is currently unknown. In summary, the available evidence is currently insufficient to determine the role of this variant in disease. Therefore, it has been classified as a Variant of Uncertain Significance.